The following is an entry in ClinVar:

ClinVar aggregate classification (germline): Uncertain significance. Review status: criteria provided, multiple submitters, no conflicts (2 of 4 stars). 2 submissions from 2 submitters: Uncertain significance (2). Last evaluated 2024-02-09.

Conditions:
Frontotemporal dementia and/or amyotrophic lateral sclerosis 4. Also called: FTDALS4. Identifiers: Orphanet 275872, MedGen C4225325, MONDO:0014641, OMIM 616439.

Submissions (2):

Institute of Medical Genetics and Applied Genomics, University Hospital Tübingen
Classification: Uncertain significance for Frontotemporal dementia and/or amyotrophic lateral sclerosis 4. Last evaluated: 2024-02-09. Review status: criteria provided, single submitter. Criteria: ACMG Guidelines, 2015. Collection method: clinical testing. Allele origin: germline. Inheritance: Autosomal dominant inheritance. Affected: yes.

Labcorp Genetics (formerly Invitae), Labcorp
Classification: Uncertain significance for Frontotemporal dementia and/or amyotrophic lateral sclerosis 4. Last evaluated: 2021-09-16. Review status: criteria provided, single submitter. Criteria: Invitae Variant Classification Sherloc (09022015). Collection method: clinical testing. Allele origin: germline.
Comment: In summary, the available evidence is currently insufficient to determine the role of this variant in disease. Therefore, it has been classified as a Variant of Uncertain Significance. This variant has been observed in individuals with clinical features of TBK1-related conditions (PMID: 31475037; Invitae). This variant is not present in population databases (ExAC no frequency). This variant, c.1892_1894del, results in the deletion of 1 amino acid(s) of the TBK1 protein (p.Leu631del), but otherwise preserves the integrity of the reading frame.

Literature cited by the submitters: PubMed 31475037 (cited by Labcorp Genetics (formerly Invitae), Labcorp).

NM_013254.4(TBK1):c.1889TAT[1] (p.Leu631del)

Gene: TBK1 (TANK binding kinase 1; plus strand). Cytogenetic location: 12q14.2.
Variant type: Microsatellite.
Coding change: c.1889TAT[1] on transcript NM_013254.4 (MANE Select); one copy of the 3-base unit TAT starting at c.1889; the reference has two copies in a row; one copy, 3 bases deleted.
Protein change: p.Leu631del; deletes leucine 631.
Molecular consequence: inframe deletion.
Genome position (GRCh38, 1-based): chr12:64,497,192-64,497,194, TAT deleted; deleting any 3 consecutive bases within chr12:64,497,188-64,497,194 gives the same sequence; the position shown is the placement nearest the transcript's 3' end. VCF-style (leftmost placement, unchanged base first): chr12-64497187-GTTA-G. GRCh37 (hg19) VCF-style: chr12-64890967-GTTA-G.
Other names: short protein forms L631del.
Identifiers: ClinVar variation 1425924 (VCV001425924.7), dbSNP rs2136088359, ClinGen allele CA2575213744.